The following is an entry in ClinVar:

ClinVar aggregate classification (germline): Uncertain significance. Review status: criteria provided, multiple submitters, no conflicts (2 of 4 stars). 3 submissions from 3 submitters: Uncertain significance (3). Last evaluated 2026-02-09.

Conditions:
Hypertrophic cardiomyopathy 26. Also called: Cardiomyopathy, familial hypertrophic, 26. Identifiers: Orphanet 75249, MedGen C4310749, MONDO:0014883, OMIM 617047.
Distal myopathy with posterior leg and anterior hand involvement. Also called: WILLIAMS DISTAL MYOPATHY. Identifiers: Orphanet 63273, MedGen C3279722, MONDO:0013550, OMIM 614065.
Myofibrillar myopathy 5. Also called: Filaminopathy (type); FILAMINOPATHY, AUTOSOMAL DOMINANT. Identifiers: Orphanet 171445, MedGen C1836050, MONDO:0012289, OMIM 609524.
FLNC-related disorder. Also called: FLNC-related condition; FLNC-related disorders.
Cardiovascular phenotype. Identifiers: MedGen CN230736.

Allele frequency attached by ClinVar (database versions not stated): ExAC 0.00001; gnomAD exomes 0.00001 and 0.00002; ESP Exome Variant Server 0.00008; TOPMed 0.00002; gnomAD 0.00007.
gnomAD v4.1: 36 of 1,573,522 alleles (0.0023%); highest among the groups gnomAD compares: African/African-American, 0.016%; no homozygotes.

Submissions (3):

PreventionGenetics, part of Exact Sciences
Classification: Uncertain significance for FLNC-related condition. Last evaluated: 2026-02-09. Review status: criteria provided, single submitter. Criteria: ACMG Guidelines, 2015. Collection method: clinical testing. Allele origin: germline.
Comment: The FLNC c.8020G>A variant is predicted to result in the amino acid substitution p.Gly2674Ser. To our knowledge, this variant has not been reported in the literature. This variant is reported in 0.013% of alleles in individuals of African descent in gnomAD, which is likely too common to be a primary cause of disease. Although we suspect that this variant may be benign, at this time, the clinical significance of this variant is uncertain due to the absence of conclusive functional and genetic evidence.

Labcorp Genetics (formerly Invitae), Labcorp
Classification: Uncertain significance for Distal myopathy with posterior leg and anterior hand involvement; Myofibrillar myopathy 5; Hypertrophic cardiomyopathy 26. Last evaluated: 2025-08-30. Review status: criteria provided, single submitter. Criteria: Invitae Variant Classification Sherloc (09022015). Collection method: clinical testing. Allele origin: germline.
Comment: This sequence change replaces glycine, which is neutral and non-polar, with serine, which is neutral and polar, at codon 2674 of the FLNC protein (p.Gly2674Ser). This variant is present in population databases (rs372338218, gnomAD 0.01%). This variant has not been reported in the literature in individuals affected with FLNC-related conditions. ClinVar contains an entry for this variant (Variation ID: 567357). Invitae Evidence Modeling of protein sequence and biophysical properties (such as structural, functional, and spatial information, amino acid conservation, physicochemical variation, residue mobility, and thermodynamic stability) indicates that this missense variant is not expected to disrupt FLNC protein function with a negative predictive value of 80%. In summary, the available evidence is currently insufficient to determine the role of this variant in disease. Therefore, it has been classified as a Variant of Uncertain Significance.

Ambry Genetics
Classification: Uncertain significance for Cardiovascular phenotype. Last evaluated: 2021-01-04. Review status: criteria provided, single submitter. Criteria: Ambry Variant Classification Scheme 2023. Collection method: clinical testing. Allele origin: germline.
Comment: The p.G2674S variant (also known as c.8020G>A), located in coding exon 48 of the FLNC gene, results from a G to A substitution at nucleotide position 8020. The glycine at codon 2674 is replaced by serine, an amino acid with similar properties. This amino acid position is highly conserved in available vertebrate species. In addition, this alteration is predicted to be deleterious by in silico analysis. Since supporting evidence is limited at this time, the clinical significance of this alteration remains unclear.

NM_001458.5(FLNC):c.8020G>A (p.Gly2674Ser)

Genes: FLNC (filamin C; plus strand), FLNC-AS1 (FLNC antisense RNA 1; minus strand). Cytogenetic location: 7q32.1.
Variant type: single nucleotide variant.
Coding change: c.8020G>A on transcript NM_001458.5 (MANE Select); coding-DNA position 8020, G replaced by A.
Protein change: p.Gly2674Ser; replaces glycine 2674 with serine.
Molecular consequence: missense variant.
Genome position (GRCh38, 1-based): chr7:128,858,365, G>A. VCF-style: chr7-128858365-G-A. GRCh37 (hg19) VCF-style: chr7-128498419-G-A.
Other names: c.7921G>A, p.Gly2641Ser (NM_001127487.2); short protein forms G2674S, G2641S.
Identifiers: ClinVar variation 567357 (VCV000567357.12), dbSNP rs372338218, ClinGen allele CA4476413.
Genomic context (GRCh38, chr7:128,858,365, plus strand): 5'-TGTGAGCCTGTCCCTCTGCCTCCCTCTCCAGGCACCAACATGATGATGGTGGGCGTGCAC[G>A]GCCCCAAGACCCCCTGTGAGGAGGTGTACGTGAAGCACATGGGGAACCGGGTGTACAATG-3'
Protein context (NP_001449.3, residues 2664-2684): GTNMMMVGVH[Gly2674Ser]PKTPCEEVYV